The following is an entry in ClinVar:

NM_003750.4(EIF3A):c.1126A>G (p.Arg376Gly)

Gene: EIF3A (eukaryotic translation initiation factor 3 subunit A; minus strand). Cytogenetic location: 10q26.11.
Variant type: single nucleotide variant.
Coding change: c.1126A>G on transcript NM_003750.4 (MANE Select); coding-DNA position 1126, A replaced by G.
Protein change: p.Arg376Gly; replaces arginine 376 with glycine.
Molecular consequence: missense variant.
Genome position (GRCh38, 1-based): chr10:119,061,325, T>C on the plus strand (A>G on the coding strand, the complement: EIF3A is on the minus strand). VCF-style: chr10-119061325-T-C. GRCh37 (hg19) VCF-style: chr10-120820837-T-C.
Other names: short protein forms R376G.
Identifiers: ClinVar variation 4529734 (VCV004529734.1).

ClinVar aggregate classification (germline): Uncertain significance (1 of 4 stars; one submission).

Submission:

GeneDx
Classification: Uncertain significance. Last evaluated: 2024-03-28. Review status: criteria provided, single submitter. Criteria: GeneDx Variant Classification Process June 2021. Collection method: clinical testing. Allele origin: germline. Affected: yes.
Comment: In silico analysis supports that this missense variant has a deleterious effect on protein structure/function; Has not been previously published as pathogenic or benign to our knowledge; Variants in candidate genes are classified as variants of uncertain significance in accordance with ACMG guidelines (PMID: 25741868)